The following is an entry in ClinVar:

NM_012301.4(MAGI2):c.3441T>A (p.Thr1147=)

Gene: MAGI2 (membrane associated guanylate kinase, WW and PDZ domain containing 2; minus strand). Cytogenetic location: 7q21.11.
Variant type: single nucleotide variant.
Coding change: c.3441T>A on transcript NM_012301.4 (MANE Select); coding-DNA position 3441, T replaced by A.
Protein change: p.Thr1147=; no amino-acid change (threonine 1147 retained).
Molecular consequence: synonymous variant.
Genome position (GRCh38, 1-based): chr7:78,125,820, A>T on the plus strand (T>A on the coding strand, the complement: MAGI2 is on the minus strand). VCF-style: chr7-78125820-A-T. GRCh37 (hg19) VCF-style: chr7-77755137-A-T.
Other names: c.3441T>A (NM_012301.3); c.3399T>A, p.Thr1133= (NM_001301128.2).
Identifiers: ClinVar variation 2164538 (VCV002164538.2), dbSNP rs377195676, ClinGen allele CA161032108.

ClinVar aggregate classification (germline): Uncertain significance. Review status: criteria provided, multiple submitters, no conflicts (2 of 4 stars). 2 submissions from 2 submitters: Uncertain significance (2). Last evaluated 2025-05-12.

Allele frequency attached by ClinVar (database versions not stated): TOPMed 0.00003; gnomAD 0.00002; ESP Exome Variant Server 0.00008.
gnomAD v4.1: 14 of 1,614,024 alleles (0.00087%); highest among the groups gnomAD compares: African/African-American, 0.0013%; no homozygotes.

Submissions (2):

GeneDx
Classification: Uncertain significance. Last evaluated: 2025-05-12. Review status: criteria provided, single submitter. Criteria: GeneDx Variant Classification Process June 2021. Collection method: clinical testing. Allele origin: germline. Affected: yes.
Comment: Not observed at significant frequency in large population cohorts (gnomAD); In silico analysis supports a deleterious effect on splicing; Has not been previously published as pathogenic or benign to our knowledge

Labcorp Genetics (formerly Invitae), Labcorp
Classification: Uncertain significance. Last evaluated: 2022-07-05. Review status: criteria provided, single submitter. Criteria: Invitae Variant Classification Sherloc (09022015). Collection method: clinical testing. Allele origin: germline.
Comment: This sequence change affects codon 1147 of the MAGI2 mRNA. It is a 'silent' change, meaning that it does not change the encoded amino acid sequence of the MAGI2 protein. This variant is present in population databases (rs377195676, gnomAD 0.0008%). This variant has not been reported in the literature in individuals affected with MAGI2-related conditions. Algorithms developed to predict the effect of sequence changes on RNA splicing suggest that this variant may create or strengthen a splice site. In summary, the available evidence is currently insufficient to determine the role of this variant in disease. Therefore, it has been classified as a Variant of Uncertain Significance.